The following is an entry in ClinVar:

ClinVar aggregate classification (germline): Likely benign (1 of 4 stars; one submission).

Allele frequency attached by ClinVar (database versions not stated): gnomAD 0.00002; TOPMed 0.00001.
gnomAD v4.1: 4 of 1,613,738 alleles (0.00025%); highest among the groups gnomAD compares: African/African-American, 0.0053%; no homozygotes.

Submission:

GeneDx
Classification: Likely benign. Last evaluated: 2018-04-23. Review status: criteria provided, single submitter. Criteria: GeneDx Variant Classification (06012015). Collection method: clinical testing. Allele origin: germline. Affected: yes.
Comment: This variant is considered likely benign or benign based on one or more of the following criteria: it is a conservative change, it occurs at a poorly conserved position in the protein, it is predicted to be benign by multiple in silico algorithms, and/or has population frequency not consistent with disease.

NM_203447.4(DOCK8):c.2875-7T>C

Gene: DOCK8 (dedicator of cytokinesis 8; plus strand). Cytogenetic location: 9p24.3.
Variant type: single nucleotide variant.
Coding change: c.2875-7T>C on transcript NM_203447.4 (MANE Select); 7 bases into the intron before coding-DNA position 2875, T replaced by C.
Molecular consequence: intron variant.
Genome position (GRCh38, 1-based): chr9:390,464, T>C. VCF-style: chr9-390464-T-C. GRCh37 (hg19) VCF-style: chr9-390464-T-C.
Other names: c.2671-7T>C (NM_001193536.2); c.2575-7T>C (NM_001190458.2).
Identifiers: ClinVar variation 682365 (VCV000682365.1), dbSNP rs932541121, ClinGen allele CA187747884.